The following is an entry in ClinVar:

ClinVar aggregate classification (germline): Uncertain significance (1 of 4 stars; one submission).

gnomAD v4.1: 6 of 1,613,558 alleles (0.00037%); highest among the groups gnomAD compares: Admixed American, 0.005%; no homozygotes.

Submission:

Women's Health and Genetics/Laboratory Corporation of America, LabCorp
Classification: Uncertain significance. Last evaluated: 2025-09-24. Review status: criteria provided, single submitter. Criteria: LabCorp Variant Classification Summary - May 2015. Collection method: clinical testing. Allele origin: germline.
Comment: Variant summary: WFS1 c.1971G>A (p.Met657Ile) results in a conservative amino acid change in the encoded protein sequence. Algorithms developed to predict the effect of missense changes on protein structure and function are either unavailable or do not agree on the potential impact of this missense change. The variant allele was found at a frequency of 8e-06 in 251016 control chromosomes. The available data on variant occurrences in the general population are insufficient to allow any conclusion about variant significance. To our knowledge, no occurrence of c.1971G>A in individuals affected with WFS1-related conditions and no experimental evidence demonstrating its impact on protein function have been reported. No submitters have cited clinical-significance assessments for this variant to ClinVar. Based on the evidence outlined above, the variant was classified as uncertain significance.

NM_006005.3(WFS1):c.1971G>A (p.Met657Ile)

Gene: WFS1 (wolframin ER transmembrane glycoprotein; plus strand). Cytogenetic location: 4p16.1.
Variant type: single nucleotide variant.
Coding change: c.1971G>A on transcript NM_006005.3 (MANE Select); coding-DNA position 1971, G replaced by A.
Protein change: p.Met657Ile; replaces methionine 657 with isoleucine.
Molecular consequence: missense variant.
Genome position (GRCh38, 1-based): chr4:6,301,766, G>A. VCF-style: chr4-6301766-G-A. GRCh37 (hg19) VCF-style: chr4-6303493-G-A.
Other names: c.1971G>A, p.Met657Ile (NM_001145853.1); short protein forms M657I.
Identifiers: ClinVar variation 4535980 (VCV004535980.1).